The following is an entry in ClinVar:

GRCh37/hg19 1q23.1-23.3(chr1:158001058-162858285)x1

Genes: CD1E (CD1e molecule; plus strand), CD244 (CD244 molecule; minus strand), CD48 (CD48 molecule; minus strand), CD84 (CD84 molecule; minus strand), CFAP126 (cilia and flagella associated protein 126; minus strand) and 104 more. Cytogenetic location: 1q23.1-23.3.
Variant type: copy number loss.
Change: copy number 1 (one copy instead of two) of chr1:158,001,058-162,858,285 (4.86 Mb, GRCh37 coordinates, 1-based), cytogenetic band 1q23.1-23.3.
Identifiers: ClinVar variation 2685732 (VCV002685732.1).

ClinVar aggregate classification (germline): Likely pathogenic (1 of 4 stars; one submission).

Submission:

Quest Diagnostics Nichols Institute San Juan Capistrano
Classification: Likely pathogenic. Last evaluated: 2022-10-10. Review status: criteria provided, single submitter. Criteria: ACMG/ClinGen CNV Guidelines, 2019. Collection method: clinical testing. Allele origin: unknown.
Comment: The copy number loss of 1q23.1q23.3 involves numerous protein-coding genes. There is emerging evidence that loss of function variants of MPZ are associated with late-onset demyelinating Charcot Marie Tooth disease, specifically CMT1B neuropathy (OMIM 118200, Chavada 2012, DiVincenzo 2014, Howard 2021, Khadilkar 2017, Volodarsky 2021). Haploinsufficiency of SDHC causes autosomal dominant hereditary paragangliomas-3 (OMIM 605373) and in rare cases gastrointestinal stromal tumors (OMIM 606764), There are no similar copy number losses of this region in the general populations of the Database of Genomic Variants. Thus, based on gene content and current literature, this copy number variant (CNV) is classified as likely pathogenic. References Chavada et al., J Clin Neuromuscul Dis. 2012 Jun;13(4):206-8. PMID: 22622165 Chonat et al., Front Physiol. 2019 Jul 3;10:815. PMID: 31333484 DiVincenzo et al., Mol Genet Genomic Med. 2014 Nov;2(6):522-9. PMID: 25614874 Howard et al., J Peripher Nerv Syst. 2021 Jun;26(2):177-183. PMID: 33960567 Khadilkar et al., Ann Indian Acad Neurol. 2017 Oct-Dec;20(4):425-429. PMID: 29184351 Miller et al., Genet Med. 2021 Aug;23(8):1381-1390. PMID: 34012068 Rigler et al., Genet Med. 2015 May;17(5):348-57. PMID: 25232849 Song et al., Front Genet. 2021 Sep 23;12:696624. PMID: 34630509 Volodarsky et al., J Med Genet. 2021 Apr;58(4):284-288. PMID: 32376792